The following is an entry in ClinVar:

ClinVar aggregate classification (germline): Uncertain significance. Review status: criteria provided, single submitter (1 of 4 stars). 2 submissions from 2 submitters: Uncertain significance (1). 1 of the submissions does not count toward it. Last evaluated 2022-11-20.

Conditions:
Leber congenital amaurosis (LCA). Also called: Leber's amaurosis. Identifiers: Orphanet 65, MedGen C0339527, MeSH D057130, MONDO:0018998.

Allele frequency attached by ClinVar (database versions not stated): gnomAD exomes 0.00002 and 0.00001; gnomAD 0.00001; TOPMed 0.00001.
gnomAD v4.1: 16 of 1,613,238 alleles (0.00099%); highest among the groups gnomAD compares: Non-Finnish European, 0.0013%; no homozygotes.

Submissions (2):

Labcorp Genetics (formerly Invitae), Labcorp
Classification: Uncertain significance. Last evaluated: 2022-11-20. Review status: criteria provided, single submitter. Criteria: Invitae Variant Classification Sherloc (09022015). Collection method: clinical testing. Allele origin: germline.
Comment: In summary, the available evidence is currently insufficient to determine the role of this variant in disease. Therefore, it has been classified as a Variant of Uncertain Significance. This variant is present in population databases (rs587783025, gnomAD 0.003%). This missense change has been observed in individual(s) with Leber congenital amaurosis (PMID: 25445212). ClinVar contains an entry for this variant (Variation ID: 156397). Algorithms developed to predict the effect of missense changes on protein structure and function (SIFT, PolyPhen-2, Align-GVGD) all suggest that this variant is likely to be disruptive. This sequence change replaces glycine, which is neutral and non-polar, with serine, which is neutral and polar, at codon 35 of the GUCA1B protein (p.Gly35Ser).

Molecular Diagnostics Laboratory, Seoul National University Hospital
Classification: Uncertain significance for Leber congenital amaurosis. Last evaluated: 2014-09-18. Review status: no assertion criteria provided. Collection method: clinical testing. Allele origin: unknown. Affected: yes. Not counted in ClinVar's aggregate classification.

Literature cited by the submitters: PubMed 25445212 (cited by Labcorp Genetics (formerly Invitae), Labcorp).

NM_002098.6(GUCA1B):c.103G>A (p.Gly35Ser)

Gene: GUCA1B (guanylate cyclase activator 1B; minus strand). Cytogenetic location: 6p21.1.
Variant type: single nucleotide variant.
Coding change: c.103G>A on transcript NM_002098.6 (MANE Select); coding-DNA position 103, G replaced by A.
Protein change: p.Gly35Ser; replaces glycine 35 with serine.
Molecular consequence: missense variant.
Genome position (GRCh38, 1-based): chr6:42,194,718, C>T on the plus strand (G>A on the coding strand, the complement: GUCA1B is on the minus strand). VCF-style: chr6-42194718-C-T. GRCh37 (hg19) VCF-style: chr6-42162456-C-T.
Other names: short protein forms G35S.
Identifiers: ClinVar variation 156397 (VCV000156397.9), dbSNP rs587783025, ClinGen allele CA270794.